The following is an entry in ClinVar:

NM_001042681.2(RERE):c.2629C>A (p.Gln877Lys)

Gene: RERE (arginine-glutamic acid dipeptide repeats; minus strand). Cytogenetic location: 1p36.23.
Variant type: single nucleotide variant.
Coding change: c.2629C>A on transcript NM_001042681.2 (MANE Select); coding-DNA position 2629, C replaced by A.
Protein change: p.Gln877Lys; replaces glutamine 877 with lysine.
Molecular consequence: missense variant.
Genome position (GRCh38, 1-based): chr1:8,360,878, G>T on the plus strand (C>A on the coding strand, the complement: RERE is on the minus strand). VCF-style: chr1-8360878-G-T. GRCh37 (hg19) VCF-style: chr1-8420938-G-T.
Other names: c.967C>A, p.Gln323Lys (NM_001042682.2); c.2629C>A, p.Gln877Lys (NM_012102.4); short protein forms Q323K, Q877K.
Identifiers: ClinVar variation 1805117 (VCV001805117.1), dbSNP rs2522716937, ClinGen allele CA338172229.

ClinVar aggregate classification (germline): Uncertain significance (1 of 4 stars; one submission).

Conditions:
Neurodevelopmental disorder with or without anomalies of the brain, eye, or heart (NEDBEH). Identifiers: Orphanet 494344, MedGen C5567477, MONDO:0014857, OMIM 616975.

Submission:

Victorian Clinical Genetics Services, Murdoch Childrens Research Institute
Classification: Uncertain significance for Neurodevelopmental disorder with or without anomalies of the brain, eye, or heart. Last evaluated: 2022-02-02. Review status: criteria provided, single submitter. Criteria: ACMG Guidelines, 2015. Collection method: clinical testing. Allele origin: germline. Inheritance: Autosomal dominant inheritance.
Comment: Based on the classification scheme VCGS_Germline_v1.3.4, this variant is classified as VUS-3C. Following criteria are met: 0102 - Loss of function is a known mechanism of disease in this gene and is associated with neurodevelopmental disorder with or without anomalies of the brain, eye, or heart (MIM#616975). Dominant negative is a suggested mechanism of disease for missense variants (PMID: 29330883). (I) 0107 - This gene is associated with autosomal dominant disease. (I) 0200 - Variant is predicted to result in a missense amino acid change from glutamine to lysine. (I) 0251 - This variant is heterozygous. (I) 0301 - Variant is absent from gnomAD (both v2 and v3). (SP) 0503 - Missense variant consistently predicted to be tolerated by multiple in silico tools or not conserved in placental mammals with a minor amino acid change. (SB) 0600 - Variant is located in the annotated atrophin 1 domain (DECIPHER). (I) 0705 - No comparable missense variants have previous evidence for pathogenicity. (I) 0807 - This variant has no previous evidence of pathogenicity. (I) 0905 - No published segregation evidence has been identified for this variant. (I) 1007 - No published functional evidence has been identified for this variant. (I) 1208 - Inheritance information for this variant is not currently available in this individual. (I) Legend: (SP) - Supporting pathogenic, (I) - Information, (SB) - Supporting benign

Literature cited by the submitters: PubMed 29330883.